The following is an entry in ClinVar:

ClinVar aggregate classification (germline): Benign/Likely benign. Review status: criteria provided, multiple submitters, no conflicts (2 of 4 stars). 10 submissions from 10 submitters: Benign (6); Likely benign (1). 3 of the submissions do not count toward it. Last evaluated 2026-01-27.

Conditions:
Inborn genetic diseases. Identifiers: MedGen C0950123, MeSH D030342.
Glutaric aciduria, type 1. Also called: Glutaricacidemia Type 1; GA I; Glutaric acidemia type I; Glutaryl-CoA dehydrogenase deficiency; Glutaricaciduria, type I; Glutaric Acidemia Type 1. Identifiers: Orphanet 25, MedGen C0268595, MONDO:0009281, OMIM 231670.

Allele frequency attached by ClinVar (database versions not stated): ESP Exome Variant Server 0.00023; gnomAD 0.00093 and 0.00138; gnomAD exomes 0.00102 and 0.00268; TOPMed 0.00129; ExAC 0.00265; 1000 Genomes Project 30x 0.00828; 1000 Genomes Project 0.00859.
gnomAD v4.1: 1,751 of 1,613,784 alleles (0.11%); highest among the groups gnomAD compares: East Asian, 3.2%; 23 homozygotes.

Submissions (10):

Labcorp Genetics (formerly Invitae), Labcorp
Classification: Benign for Glutaric aciduria, type 1. Last evaluated: 2026-01-27. Review status: criteria provided, single submitter. Criteria: Invitae Variant Classification Sherloc (09022015). Collection method: clinical testing. Allele origin: germline.

Ambry Genetics
Classification: Likely benign for Inborn genetic diseases. Last evaluated: 2022-09-28. Review status: criteria provided, single submitter. Criteria: Ambry Variant Classification Scheme 2023. Collection method: clinical testing. Allele origin: germline.

GeneDx
Classification: Benign. Last evaluated: 2018-11-02. Review status: criteria provided, single submitter. Criteria: GeneDx Variant Classification Process June 2021. Collection method: clinical testing. Allele origin: germline. Affected: yes.

Illumina Laboratory Services, Illumina
Classification: Benign for Glutaric aciduria, type 1. Last evaluated: 2018-01-12. Review status: criteria provided, single submitter. Criteria: ICSL Variant Classification Criteria 13 December 2019. Collection method: clinical testing. Allele origin: germline.
Comment: This variant was observed in the ICSL laboratory as part of a predisposition screen in an ostensibly healthy population. It had not been previously curated by ICSL or reported in the Human Gene Mutation Database (HGMD: prior to June 1st, 2018), and was therefore a candidate for classification through an automated scoring system. Utilizing variant allele frequency, disease prevalence and penetrance estimates, and inheritance mode, an automated score was calculated to assess if this variant is too frequent to cause the disease. Based on the score and internal cut-off values, a variant classified as benign is not then subjected to further curation. The score for this variant resulted in a classification of benign for this disease.

Clinical Genetics DNA and cytogenetics Diagnostics Lab, Erasmus MC, Erasmus Medical Center
Classification: Benign for Glutaric aciduria, type 1. Last evaluated: 2017-06-28. Review status: criteria provided, single submitter. Criteria: ACGS Guidelines, 2013. Collection method: clinical testing. Allele origin: germline. Affected: yes. Study: VKGL Data-share Consensus.

Women's Health and Genetics/Laboratory Corporation of America, LabCorp
Classification: Benign. Last evaluated: 2016-11-20. Review status: criteria provided, single submitter. Criteria: LabCorp Variant Classification Summary - May 2015. Collection method: clinical testing. Allele origin: germline.
Comment: Variant summary: The c.1011A>G (p.Ala337=) in GCDH gene is a synonymous change that involves a non-conserved nucleotide. 5/5 programs in Alamut predict that this variant does not affect a normal splicing, however no functional studies supporting these predictions were published at the time of evaluation. The variant is present in the large control population dataset of ExAC at a frequency 0.0026 (318/120126 chrs tested), predominantly in individuals of East Asian origin (0.033; 284/8608 chrs tested, including 5 homozygotes). The latter frequency exceeds the estimated maximal expected allele frequency of a pathogenic variant (0.0035). The variant is present in a control population dataset of gmomAD predominantly in individuals of East Asian origin: 0.032 (610/ 18932 chrs, including 5 homozygotes); however, since the data set is still in beta mode, this data was not captured in pbGP. The c. 1011A>G has not, to our knowledge, been reported in affected individuals via published reports, but is cited as Benign by a reputable database/clinical laboratory. The variant seems to be an ethnic specific polymorphism, therefore it has been classified as Benign.

Eurofins Ntd Llc (ga)
Classification: Benign. Last evaluated: 2014-09-12. Review status: criteria provided, single submitter. Criteria: EGL Classification Definitions 2015. Collection method: clinical testing. Allele origin: germline. Observed: 1 variant allele, 1 homozygote.

Natera, Inc.
Classification: Benign for Glutaric acidemia type 1. Last evaluated: 2020-09-16. Review status: no assertion criteria provided. Collection method: clinical testing. Allele origin: germline. Not counted in ClinVar's aggregate classification.

Clinical Genetics, Academic Medical Center
Classification: Benign. Review status: no assertion criteria provided. Collection method: clinical testing. Allele origin: germline. Affected: yes. Study: VKGL Data-share Consensus. Not counted in ClinVar's aggregate classification.

Diagnostic Laboratory, Department of Genetics, University Medical Center Groningen
Classification: Likely benign for Glutaric aciduria, type 1. Review status: no assertion criteria provided. Collection method: clinical testing. Allele origin: germline. Affected: yes. Study: VKGL Data-share Consensus. Not counted in ClinVar's aggregate classification.

NM_000159.4(GCDH):c.1011A>G (p.Ala337=)

Gene: GCDH (glutaryl-CoA dehydrogenase; plus strand). Cytogenetic location: 19p13.13.
Variant type: single nucleotide variant.
Coding change: c.1011A>G on transcript NM_000159.4 (MANE Select); coding-DNA position 1011, A replaced by G.
Protein change: p.Ala337=; no amino-acid change (alanine 337 retained).
Molecular consequence: synonymous variant. On other transcripts: non-coding transcript variant (2).
Genome position (GRCh38, 1-based): chr19:12,897,357, A>G. VCF-style: chr19-12897357-A-G. GRCh37 (hg19) VCF-style: chr19-13008171-A-G.
Other names: c.1011A>G, p.Ala337= (NM_013976.5).
Identifiers: ClinVar variation 193562 (VCV000193562.26), dbSNP rs2229460, ClinGen allele CA200653.